The following is an entry in ClinVar:

NM_000091.5(COL4A3):c.987+2T>G

Genes: COL4A3 (collagen type IV alpha 3 chain; plus strand), MFF-DT (MFF divergent transcript; minus strand). Cytogenetic location: 2q36.3.
Variant type: single nucleotide variant.
Coding change: c.987+2T>G on transcript NM_000091.5 (MANE Select); the canonical splice donor site of the intron after coding-DNA position 987, T replaced by G.
Molecular consequence: splice donor variant.
Genome position (GRCh38, 1-based): chr2:227,256,398, T>G. VCF-style: chr2-227256398-T-G. GRCh37 (hg19) VCF-style: chr2-228121114-T-G.
Identifiers: ClinVar variation 3147594 (VCV003147594.2), dbSNP rs2469586114, ClinGen allele CA350867364.

ClinVar aggregate classification (germline): Likely pathogenic (1 of 4 stars; one submission).

Conditions:
Inborn genetic diseases. Identifiers: MedGen C0950123, MeSH D030342.

Submission:

Ambry Genetics
Classification: Likely pathogenic for Inborn genetic diseases. Last evaluated: 2024-10-21. Review status: criteria provided, single submitter. Criteria: Ambry Variant Classification Scheme 2023. Collection method: clinical testing. Allele origin: germline.
Comment: The c.987+2T>G intronic variant results from a T to G substitution two nucleotides after coding exon 17 of the COL4A3 gene. Alterations that disrupt the canonical splice site are expected to result in aberrant splicing. The resulting transcript is predicted to be in-frame and is not expected to trigger nonsense-mediated mRNAdecay; however, direct evidence is unavailable. The exact functional effect of the altered amino acid sequence is unknown; however, the impacted region is critical for protein function (Ambry internal data). This variant was not reported in population-based cohorts in the Genome Aggregation Database (gnomAD). This nucleotide position is highly conserved in available vertebrate species. In silico splice site analysis predicts that this alteration will weaken the native splice donor site. Based on the available evidence, this alteration is classified as likely pathogenic.